The following is an entry in ClinVar:

NC_000001.10:g.(?_216003270)_(216011369_?)del

Gene: USH2A (usherin; minus strand). Cytogenetic location: 1q41.
Variant type: Deletion.
Identifiers: ClinVar variation 2427760 (VCV002427760.4).

ClinVar aggregate classification (germline): Pathogenic (1 of 4 stars; one submission).

Submission:

Labcorp Genetics (formerly Invitae), Labcorp
Classification: Pathogenic. Last evaluated: 2022-08-23. Review status: criteria provided, single submitter. Criteria: Invitae Variant Classification Sherloc (09022015). Collection method: clinical testing. Allele origin: germline.
Comment: This variant results in the deletion of part of exon 47 (c.9335_9371+8063delinsGAAGACACTCC) of the USH2A gene. It is expected to disrupt RNA splicing. Variants that disrupt the donor or acceptor splice site typically lead to a loss of protein function (PMID: 16199547), and loss-of-function variants in USH2A are known to be pathogenic (PMID: 10729113, 10909849, 20507924, 25649381). This variant has not been reported in the literature in individuals affected with USH2A-related conditions. ClinVar contains an entry for this variant (Variation ID: 505591). This variant disrupts a region of the USH2A protein in which other variant(s) (p.Pro3116Thr) have been determined to be pathogenic (PMID: 28944237, 30718709; Invitae). This suggests that this is a clinically significant region of the protein, and that variants that disrupt it are likely to be disease-causing. For these reasons, this variant has been classified as Pathogenic.

Literature cited by the submitters: PubMed 16199547; PubMed 10729113; PubMed 10909849; PubMed 20507924; PubMed 25649381; PubMed 28944237; PubMed 30718709.